The following is an entry in ClinVar:

NM_015335.5(MED13L):c.1225C>G (p.Pro409Ala)

Gene: MED13L (mediator complex subunit 13L; minus strand). Cytogenetic location: 12q24.21.
Variant type: single nucleotide variant.
Coding change: c.1225C>G on transcript NM_015335.5 (MANE Select); coding-DNA position 1225, C replaced by G.
Protein change: p.Pro409Ala; replaces proline 409 with alanine.
Molecular consequence: missense variant.
Genome position (GRCh38, 1-based): chr12:116,012,852, G>C on the plus strand (C>G on the coding strand, the complement: MED13L is on the minus strand). VCF-style: chr12-116012852-G-C. GRCh37 (hg19) VCF-style: chr12-116450657-G-C.
Other names: short protein forms P409A.
Identifiers: ClinVar variation 3617415 (VCV003617415.2).

ClinVar aggregate classification (germline): Uncertain significance (1 of 4 stars; one submission).

Conditions:
Dextro-looped transposition of the great arteries. Also called: Dextrotransposition of the great arteries. Identifiers: Orphanet 860, MedGen C3531771, MONDO:0019443, OMIM 608808, HP:0031348.

gnomAD v4.1: 2 of 1,613,962 alleles (0.00012%); highest among the groups gnomAD compares: Non-Finnish European, 0.00017%; no homozygotes.

Submission:

Labcorp Genetics (formerly Invitae), Labcorp
Classification: Uncertain significance for Dextro-looped transposition of the great arteries. Last evaluated: 2025-03-16. Review status: criteria provided, single submitter. Criteria: Invitae Variant Classification Sherloc (09022015). Collection method: clinical testing. Allele origin: germline.
Comment: This sequence change replaces proline, which is neutral and non-polar, with alanine, which is neutral and non-polar, at codon 409 of the MED13L protein (p.Pro409Ala). This variant is not present in population databases (gnomAD no frequency). This variant has not been reported in the literature in individuals affected with MED13L-related conditions. Invitae Evidence Modeling of protein sequence and biophysical properties (such as structural, functional, and spatial information, amino acid conservation, physicochemical variation, residue mobility, and thermodynamic stability) indicates that this missense variant is not expected to disrupt MED13L protein function with a negative predictive value of 80%. In summary, the available evidence is currently insufficient to determine the role of this variant in disease. Therefore, it has been classified as a Variant of Uncertain Significance.